The following is an entry in ClinVar:

ClinVar aggregate classification (germline): Uncertain significance (1 of 4 stars; one submission).

Submission:

GeneDx
Classification: Uncertain significance. Last evaluated: 2022-04-19. Review status: criteria provided, single submitter. Criteria: GeneDx Variant Classification Process June 2021. Collection method: clinical testing. Allele origin: germline. Affected: yes.
Comment: Not observed at significant frequency in large population cohorts (gnomAD); In silico analysis supports that this missense variant has a deleterious effect on protein structure/function; Has not been previously published as pathogenic or benign to our knowledge

NM_001127208.3(TET2):c.3821A>T (p.Gln1274Leu)

Genes: TET2 (tet methylcytosine dioxygenase 2; plus strand), TET2-AS1 (TET2 antisense RNA 1; minus strand). Cytogenetic location: 4q24.
Variant type: single nucleotide variant.
Coding change: c.3821A>T on transcript NM_001127208.3 (MANE Select); coding-DNA position 3821, A replaced by T.
Protein change: p.Gln1274Leu; replaces glutamine 1274 with leucine.
Molecular consequence: missense variant.
Genome position (GRCh38, 1-based): chr4:105,259,636, A>T. VCF-style: chr4-105259636-A-T. GRCh37 (hg19) VCF-style: chr4-106180793-A-T.
Other names: short protein forms Q1274L.
Identifiers: ClinVar variation 1711917 (VCV001711917.2), dbSNP rs1197941414, ClinGen allele CA357806894.
Genomic context (GRCh38, chr4:105,259,636, plus strand): 5'-TAATGCTATCCATAGCAATGAATTTGGTCTTTTGATTTTTCAGGAGAACTTGCGCCTGTC[A>T]GGGGCTGGATCCAGAAACCTGTGGTGCCTCCTTCTCTTTTGGTTGTTCATGGAGCATGTA-3'
Protein context (NP_001120680.1, residues 1264-1284): ALNEERTCAC[Gln1274Leu]GLDPETCGAS